The following is an entry in ClinVar:

NM_001130009.3(GEN1):c.263A>G (p.Lys88Arg)

Gene: GEN1 (GEN1 structure-specific endonuclease; plus strand). Cytogenetic location: 2p24.2.
Variant type: single nucleotide variant.
Coding change: c.263A>G on transcript NM_001130009.3 (MANE Select); coding-DNA position 263, A replaced by G.
Protein change: p.Lys88Arg; replaces lysine 88 with arginine.
Molecular consequence: missense variant.
Genome position (GRCh38, 1-based): chr2:17,761,497, A>G. VCF-style: chr2-17761497-A-G. GRCh37 (hg19) VCF-style: chr2-17942764-A-G.
Other names: c.263A>G, p.Lys88Arg (NM_182625.5); c.263A>G (NM_001130009.1); short protein forms K88R.
Identifiers: ClinVar variation 1041469 (VCV001041469.10), dbSNP rs376517521, ClinGen allele CA1540362.

ClinVar aggregate classification (germline): Uncertain significance. Review status: criteria provided, multiple submitters, no conflicts (2 of 4 stars). 2 submissions from 2 submitters: Uncertain significance (2). Last evaluated 2025-08-01.

Allele frequency attached by ClinVar (database versions not stated): gnomAD exomes below 0.00001 and 0.00001; ExAC 0.00001.
gnomAD v4.1: 3 of 1,613,262 alleles (0.00019%); highest among the groups gnomAD compares: East Asian, 0.0022%; no homozygotes.

Submissions (2):

Ambry Genetics
Classification: Uncertain significance. Last evaluated: 2025-08-01. Review status: criteria provided, single submitter. Criteria: Ambry Variant Classification Scheme 2023. Collection method: clinical testing. Allele origin: germline.
Comment: The p.K88R variant (also known as c.263A>G), located in coding exon 2 of the GEN1 gene, results from an A to G substitution at nucleotide position 263. The lysine at codon 88 is replaced by arginine, an amino acid with highly similar properties. This amino acid position is conserved. In addition, this alteration is predicted to be tolerated by in silico analysis. Based on the available evidence, the clinical significance of this variant remains unclear.

Labcorp Genetics (formerly Invitae), Labcorp
Classification: Uncertain significance. Last evaluated: 2020-09-03. Review status: criteria provided, single submitter. Criteria: Invitae Variant Classification Sherloc (09022015). Collection method: clinical testing. Allele origin: germline.
Comment: This variant has not been reported in the literature in individuals with GEN1-related conditions. This variant is present in population databases (rs376517521, ExAC 0.01%). This sequence change replaces lysine with arginine at codon 88 of the GEN1 protein (p.Lys88Arg). The lysine residue is highly conserved and there is a small physicochemical difference between lysine and arginine. Algorithms developed to predict the effect of sequence changes on RNA splicing suggest that this variant may create or strengthen a splice site, but this prediction has not been confirmed by published transcriptional studies. Algorithms developed to predict the effect of missense changes on protein structure and function output the following: SIFT: "Tolerated"; PolyPhen-2: "Benign"; Align-GVGD: "Class C0". The arginine amino acid residue is found in multiple mammalian species, suggesting that this missense change does not adversely affect protein function. These predictions have not been confirmed by published functional studies and their clinical significance is uncertain. In summary, the available evidence is currently insufficient to determine the role of this variant in disease. Therefore, it has been classified as a Variant of Uncertain Significance.